The following is an entry in ClinVar:

NM_003480.4(MFAP5):c.82A>G (p.Ser28Gly)

Gene: MFAP5 (microfibril associated protein 5; minus strand). Cytogenetic location: 12p13.31.
Variant type: single nucleotide variant.
Coding change: c.82A>G on transcript NM_003480.4 (MANE Select); coding-DNA position 82, A replaced by G.
Protein change: p.Ser28Gly; replaces serine 28 with glycine.
Molecular consequence: missense variant. On other transcripts: non-coding transcript variant (2), intron variant (1).
Genome position (GRCh38, 1-based): chr12:8,660,875, T>C on the plus strand (A>G on the coding strand, the complement: MFAP5 is on the minus strand). VCF-style: chr12-8660875-T-C. GRCh37 (hg19) VCF-style: chr12-8813471-T-C.
Other names: c.82A>G, p.Ser28Gly (NM_001297709.2, NM_001297711.2, NM_001297712.2); c.58+1172A>G (NM_001297710.2); short protein forms S28G.
Identifiers: ClinVar variation 4734156 (VCV004734156.1).

ClinVar aggregate classification (germline): Uncertain significance (1 of 4 stars; one submission).

Submission:

Labcorp Genetics (formerly Invitae), Labcorp
Classification: Uncertain significance. Last evaluated: 2025-12-24. Review status: criteria provided, single submitter. Criteria: Invitae Variant Classification Sherloc (09022015). Collection method: clinical testing. Allele origin: germline.
Comment: This sequence change replaces serine, which is neutral and polar, with glycine, which is neutral and non-polar, at codon 28 of the MFAP5 protein (p.Ser28Gly). This variant is not present in population databases (gnomAD no frequency). This variant has not been reported in the literature in individuals affected with MFAP5-related conditions. An algorithm developed to predict the effect of missense changes on protein structure and function outputs the following: PolyPhen-2: "Benign". The glycine amino acid residue is found in multiple mammalian species, which suggests that this missense change does not adversely affect protein function. In summary, the available evidence is currently insufficient to determine the role of this variant in disease. Therefore, it has been classified as a Variant of Uncertain Significance.